The following is an entry in ClinVar:

NM_153252.5(BRWD3):c.1203A>G (p.Ile401Met)

Gene: BRWD3 (bromodomain and WD repeat domain containing 3; minus strand). Cytogenetic location: Xq21.1.
Variant type: single nucleotide variant.
Coding change: c.1203A>G on transcript NM_153252.5 (MANE Select); coding-DNA position 1203, A replaced by G.
Protein change: p.Ile401Met; replaces isoleucine 401 with methionine.
Molecular consequence: missense variant.
Genome position (GRCh38, 1-based): chrX:80,729,945, T>C on the plus strand (A>G on the coding strand, the complement: BRWD3 is on the minus strand). VCF-style: chrX-80729945-T-C. GRCh37 (hg19) VCF-style: chrX-79985444-T-C.
Other names: c.1203A>G, p.Ile401Met (NM_001441339.1); short protein forms I401M.
Identifiers: ClinVar variation 4074605 (VCV004074605.1).
Genomic context (GRCh38, chrX:80,729,945, plus strand): 5'-AACCACATAAACATCTAACATATATTCTTACCCAGTCATTTTAGTAGCCATGTCTAGCAC[T>C]ATACTCTTCCATTCTTGTTGCTGATACTGCCAAATTCTTGCCGTTCCATCTCGACTTCCA-3'
Protein context (NP_694984.5, residues 391-411): WQYQQQEWKS[Ile401Met]VLDMATKMTG

ClinVar aggregate classification (germline): Uncertain significance (1 of 4 stars; one submission).

gnomAD v4.1: 1 of 1,204,044 alleles (0.000083%); highest among the groups gnomAD compares: East Asian, 0.003%; no homozygotes.

Submission:

GeneDx
Classification: Uncertain significance. Last evaluated: 2025-02-05. Review status: criteria provided, single submitter. Criteria: GeneDx Variant Classification Process June 2021. Collection method: clinical testing. Allele origin: germline. Affected: yes.
Comment: Not observed at significant frequency in large population cohorts (gnomAD); In silico analysis indicates that this missense variant does not alter protein structure/function; Has not been previously published as pathogenic or benign to our knowledge